The following is an entry in ClinVar:

ClinVar aggregate classification (germline): Uncertain significance. Review status: criteria provided, multiple submitters, no conflicts (2 of 4 stars). 2 submissions from 2 submitters: Uncertain significance (2). Last evaluated 2022-06-22.

Conditions:
Osteogenesis imperfecta type 7 (OI7). Also called: OSTEOGENESIS IMPERFECTA, TYPE IIB; Osteogenesis imperfecta type 2B; OI type 2B; Osteogenesis imperfecta, perinatal lethal autosomal recessive; OI type IIB; OI type 7. Identifiers: MedGen C1853162, MONDO:0012536, OMIM 610682.

Allele frequency attached by ClinVar (database versions not stated): gnomAD 0.00001; TOPMed 0.00002.
gnomAD v4.1: 20 of 1,467,870 alleles (0.0014%); highest among the groups gnomAD compares: Admixed American, 0.0025%; no homozygotes.

Submissions (2):

Labcorp Genetics (formerly Invitae), Labcorp
Classification: Uncertain significance for Osteogenesis imperfecta type 7. Last evaluated: 2022-06-22. Review status: criteria provided, single submitter. Criteria: Invitae Variant Classification Sherloc (09022015). Collection method: clinical testing. Allele origin: germline.
Comment: This sequence change replaces glycine, which is neutral and non-polar, with alanine, which is neutral and non-polar, at codon 7 of the CRTAP protein (p.Gly7Ala). This variant is present in population databases (no rsID available, gnomAD 0.003%). This variant has not been reported in the literature in individuals affected with CRTAP-related conditions. ClinVar contains an entry for this variant (Variation ID: 289670). Algorithms developed to predict the effect of missense changes on protein structure and function output the following: SIFT: "Tolerated"; PolyPhen-2: "Not Available"; Align-GVGD: "Class C0". The alanine amino acid residue is found in multiple mammalian species, which suggests that this missense change does not adversely affect protein function. In summary, the available evidence is currently insufficient to determine the role of this variant in disease. Therefore, it has been classified as a Variant of Uncertain Significance.

Eurofins Ntd Llc (ga)
Classification: Uncertain significance. Last evaluated: 2016-07-28. Review status: criteria provided, single submitter. Criteria: EGL Classification Definitions 2015. Collection method: clinical testing. Allele origin: germline. Observed: 1 variant allele, 1 heterozygote.

NM_006371.5(CRTAP):c.20G>C (p.Gly7Ala)

Genes: CRTAP (cartilage associated protein; plus strand), LOC129936436 (ATAC-STARR-seq lymphoblastoid silent region 14183; plus strand). Cytogenetic location: 3p22.3.
Variant type: single nucleotide variant.
Coding change: c.20G>C on transcript NM_006371.5 (MANE Select); coding-DNA position 20, G replaced by C.
Protein change: p.Gly7Ala; replaces glycine 7 with alanine.
Molecular consequence: missense variant.
Genome position (GRCh38, 1-based): chr3:33,114,097, G>C. VCF-style: chr3-33114097-G-C. GRCh37 (hg19) VCF-style: chr3-33155589-G-C.
Other names: c.20G>C, p.Gly7Ala (NM_001393363.1, NM_001393364.1, NM_001393365.1); short protein forms G7A.
Identifiers: ClinVar variation 289670 (VCV000289670.6), dbSNP rs886044235, ClinGen allele CA10606514.
Genomic context (GRCh38, chr3:33,114,097, plus strand): 5'-CCCTTCCTTCGTCCCTTCCTTCCTTCCTTTCGCCGGGCGCGATGGAGCCGGGGCGCCGGG[G>C]GGCCGCGGCGCTGCTAGCGCTGCTGTGCGTGGCCTGCGCGCTGCGCGCCGGGCGCGCCCA-3'
Protein context (NP_006362.1, residues 1-17): MEPGRR[Gly7Ala]AAALLALLCV